The following is an entry in ClinVar:

NM_000052.7(ATP7A):c.40G>T (p.Val14Phe)

Gene: ATP7A (ATPase copper transporting alpha; plus strand). Cytogenetic location: Xq21.1.
Variant type: single nucleotide variant.
Coding change: c.40G>T on transcript NM_000052.7 (MANE Select); coding-DNA position 40, G replaced by T.
Protein change: p.Val14Phe; replaces valine 14 with phenylalanine.
Molecular consequence: missense variant. On other transcripts: non-coding transcript variant (1).
Genome position (GRCh38, 1-based): chrX:77,971,681, G>T. VCF-style: chrX-77971681-G-T. GRCh37 (hg19) VCF-style: chrX-77227178-G-T.
Other names: c.40G>T, p.Val14Phe (NM_001282224.2); c.40G>T (NM_000052.4); short protein forms V14F.
Identifiers: ClinVar variation 2934626 (VCV002934626.4), dbSNP rs2077547867, ClinGen allele CA413597687.
Genomic context (GRCh38, chrX:77,971,681, plus strand): 5'-GAATGTAATGAGGAAATCAAAATGGATCCAAGTATGGGTGTGAATTCTGTTACCATTTCT[G>T]TTGAGGGTATGACTTGCAATTCCTGTGTTTGGACCATTGAGCAGCAGATTGGAAAAGTGA-3'
Protein context (NP_000043.4, residues 4-24): SMGVNSVTIS[Val14Phe]EGMTCNSCVW

ClinVar aggregate classification (germline): Uncertain significance. Review status: criteria provided, multiple submitters, no conflicts (2 of 4 stars). 2 submissions from 2 submitters: Uncertain significance (2). Last evaluated 2024-09-09.

Conditions:
Menkes kinky-hair syndrome (MNK). Also called: Copper transport disease; Menkes Disease; Classic Menkes Disease. Identifiers: Orphanet 565, MedGen C0022716, MONDO:0010651, OMIM 309400.
Cutis laxa, X-linked (OHS). Also called: EDS IX; Occipital horn syndrome. Identifiers: Orphanet 198, MedGen C0268353, MONDO:0010572, OMIM 304150.
X-linked distal spinal muscular atrophy type 3. Also called: ATP7A-Related Distal Motor Neuropathy; SPINAL MUSCULAR ATROPHY, DISTAL, X-LINKED RECESSIVE; NEURONOPATHY, DISTAL HEREDITARY MOTOR, X-LINKED; NEUROPATHY, DISTAL HEREDITARY MOTOR, X-LINKED. Identifiers: Orphanet 139557, MedGen C1845359, MONDO:0010338, OMIM 300489.
Inborn genetic diseases. Identifiers: MedGen C0950123, MeSH D030342.

Allele frequency attached by ClinVar (database versions not stated): TOPMed below 0.00001.

Submissions (2):

Ambry Genetics
Classification: Uncertain significance for Inborn genetic diseases. Last evaluated: 2024-09-09. Review status: criteria provided, single submitter. Criteria: Ambry Variant Classification Scheme 2023. Collection method: clinical testing. Allele origin: germline.

Labcorp Genetics (formerly Invitae), Labcorp
Classification: Uncertain significance for X-linked distal spinal muscular atrophy type 3; Cutis laxa, X-linked; Menkes kinky-hair syndrome. Last evaluated: 2023-10-22. Review status: criteria provided, single submitter. Criteria: Invitae Variant Classification Sherloc (09022015). Collection method: clinical testing. Allele origin: germline.
Comment: This sequence change replaces valine, which is neutral and non-polar, with phenylalanine, which is neutral and non-polar, at codon 14 of the ATP7A protein (p.Val14Phe). This variant is not present in population databases (gnomAD no frequency). This variant has not been reported in the literature in individuals affected with ATP7A-related conditions. Advanced modeling of protein sequence and biophysical properties (such as structural, functional, and spatial information, amino acid conservation, physicochemical variation, residue mobility, and thermodynamic stability) performed at Invitae indicates that this missense variant is not expected to disrupt ATP7A protein function. In summary, the available evidence is currently insufficient to determine the role of this variant in disease. Therefore, it has been classified as a Variant of Uncertain Significance.